The following is an entry in ClinVar:

ClinVar aggregate classification (germline): Pathogenic/Likely pathogenic. Review status: criteria provided, multiple submitters, no conflicts (2 of 4 stars). 10 submissions from 9 submitters: Pathogenic (7); Likely pathogenic (1). 2 of the submissions do not count toward it. Last evaluated 2025-07-15.

Conditions:
FGA-related disorder. Also called: FGA-related condition; FGA-related disorders.
Congenital afibrinogenemia. Identifiers: Orphanet 335, Orphanet 98880, MedGen C2584774, MONDO:0008737, OMIM 202400.
Familial visceral amyloidosis, Ostertag type (AMYLD2). Also called: Familial visceral amyloidosis; Ostertag type amyloidosis; AMYLOIDOSIS, HEREDITARY SYSTEMIC 2; Amyloidosis, hepatic and systemic; Hereditary Renal Amyloidosis; AMYLOIDOSIS VIII. Identifiers: Orphanet 85450, MedGen C0268389, MONDO:0007099, OMIM 105200.
Familial dysfibrinogenemia. Also called: Dysfibrinogenemia, congenital. Identifiers: Orphanet 335, Orphanet 98881, MedGen C0272350, MONDO:0014452, OMIM 616004.
Familial hypodysfibrinogenemia. Also called: Hypodysfibrinogenemia, congenital. Identifiers: Orphanet 248408, MedGen C1859970, MONDO:0016638.
Hypofibrinogenemia. Identifiers: MedGen C0553681, HP:0011900.

Allele frequency attached by ClinVar (database versions not stated): gnomAD exomes 0.00006 and 0.00012; TOPMed 0.00006; ESP Exome Variant Server 0.00008; gnomAD 0.00008 and 0.00009.

Submissions (10):

Variantyx, Inc.
Classification: Likely pathogenic for Congenital afibrinogenemia. Last evaluated: 2025-07-15. Review status: criteria provided, single submitter. Criteria: Variantyx Assertion Criteria 2022. Collection method: clinical testing. Allele origin: germline. Inheritance: Autosomal recessive inheritance. Affected: yes.
Comment: This is a canonical splicing variant in the FGA gene (OMIM: 134820). Pathogenic variants in this gene have been associated with autosomal recessive afibrinogenemia. Loss of function is a known disease mechanism for FGA in this disorder. However, the functional consequence of this splicing variant cannot be predicted with certainty (PVS1_Moderate). This variant has been identified in the homozygous or compound heterozygous state in at least 6 individuals reported in the published literature (PMID: 10891444, 34255402) (PM3_Strong). It has a 0.0146% maximum allele frequency in non-founder control populations (PM2). Based on the current evidence, this variant is classified as likely pathogenic for autosomal recessive afibrinogenemia.

Mayo Clinic Laboratories, Mayo Clinic
Classification: Pathogenic. Last evaluated: 2024-09-19. Review status: criteria provided, single submitter. Criteria: ACMG Guidelines, 2015. Collection method: clinical testing. Allele origin: germline.

Women's Health and Genetics/Laboratory Corporation of America, LabCorp
Classification: Pathogenic for Familial dysfibrinogenemia. Last evaluated: 2024-07-29. Review status: criteria provided, single submitter. Criteria: LabCorp Variant Classification Summary - May 2015. Collection method: clinical testing. Allele origin: germline.
Comment: Variant summary: FGA c.510+1G>T is located in a canonical splice-site and is predicted to affect mRNA splicing resulting in a significantly altered protein due to either exon skipping, shortening, or inclusion of intronic material. Variants that disrupt the consensus splice site are a relatively common cause of aberrant splicing and loss of FGA function. Several computational tools predict a significant impact on normal splicing: Four predict the variant abolishes a canonical 5' splicing donor site. However, these predictions have yet to be confirmed by functional studies. The variant allele was found at a frequency of 5.6e-05 in 251372 control chromosomes (gnomAD). This frequency is not significantly higher than estimated for a pathogenic variant in FGA causing Dysfibrinogenemia, Congenital, allowing no conclusion about variant significance. c.510+1G>T has been reported in the literature in multiple individuals affected with Afibrinogenaemia (e.g. Neerman-Arbez_2000). These data indicate that the variant is very likely to be associated with disease. To our knowledge, no experimental evidence demonstrating an impact on protein function has been reported. The following publication has been ascertained in the context of this evaluation (PMID: 10891444). ClinVar contains an entry for this variant (Variation ID: 16415). Based on the evidence outlined above, the variant was classified as pathogenic.

Fulgent Genetics
Classification: Pathogenic for Familial visceral amyloidosis, Ostertag type; Congenital afibrinogenemia; Familial dysfibrinogenemia. Last evaluated: 2024-04-06. Review status: criteria provided, single submitter. Criteria: ACMG Guidelines, 2015. Collection method: clinical testing. Allele origin: germline.

GeneDx
Classification: Pathogenic. Last evaluated: 2023-09-15. Review status: criteria provided, single submitter. Criteria: GeneDx Variant Classification Process June 2021. Collection method: clinical testing. Allele origin: germline. Affected: yes.
Comment: Canonical splice site variant predicted to result in a null allele in a gene for which loss of function is a known mechanism of disease; This variant is associated with the following publications: (PMID: 25525159, 34255402, 31064749, 30349899, 10891444)

Labcorp Genetics (formerly Invitae), Labcorp
Classification: Pathogenic. Last evaluated: 2022-07-25. Review status: criteria provided, single submitter. Criteria: Invitae Variant Classification Sherloc (09022015). Collection method: clinical testing. Allele origin: germline.
Comment: This variant is present in population databases (rs146387238, gnomAD 0.009%). For these reasons, this variant has been classified as Pathogenic. Variants that disrupt the consensus splice site are a relatively common cause of aberrant splicing (PMID: 17576681, 9536098). Algorithms developed to predict the effect of sequence changes on RNA splicing suggest that this variant may disrupt the consensus splice site. ClinVar contains an entry for this variant (Variation ID: 16415). This variant is also known as IVS4+1G>T. Disruption of this splice site has been observed in individuals with hereditary fibrinogen abnormalities (PMID: 10891444, 30349899). This sequence change affects a donor splice site in intron 4 of the FGA gene. While this variant is not anticipated to result in nonsense mediated decay, it likely alters RNA splicing and results in a disrupted protein product.

Blueprint Genetics
Classification: Pathogenic for FGA-related disorders. Last evaluated: 2019-07-10. Review status: criteria provided, single submitter. Criteria: ACMG Guidelines, 2015. Collection method: clinical testing. Allele origin: germline. Affected: yes. Observed: 3 variant alleles.

NIHR Bioresource Rare Diseases, University of Cambridge
Classification: Pathogenic for Hypofibrinogenemia. Last evaluated: 2019-02-01. Review status: criteria provided, single submitter. Criteria: ACMG Guidelines, 2015. Collection method: research. Allele origin: unknown. Affected: yes. Observed: 1 compound heterozygote. Study: ThromboGenomics.

OMIM
Classification: Pathogenic for HYPODYSFIBRINOGENEMIA, CONGENITAL. Last evaluated: 2004-04-01. Review status: no assertion criteria provided. Collection method: literature only. Allele origin: germline. Not counted in ClinVar's aggregate classification.

OMIM
Classification: Pathogenic for AFIBRINOGENEMIA, CONGENITAL. Last evaluated: 2000-07-01. Review status: no assertion criteria provided. Collection method: literature only. Allele origin: germline. Not counted in ClinVar's aggregate classification.

Literature cited by the submitters: PubMed 10891444 (cited by 5 submitters); PubMed 34255402 (cited by Variantyx, Inc. and Mayo Clinic Laboratories, Mayo Clinic); PubMed 11238133 (cited by Mayo Clinic Laboratories, Mayo Clinic); PubMed 11354637 (cited by Mayo Clinic Laboratories, Mayo Clinic); PubMed 14615374 (cited by Mayo Clinic Laboratories, Mayo Clinic and OMIM); PubMed 16651864 (cited by Mayo Clinic Laboratories, Mayo Clinic); PubMed 17179831 (cited by Mayo Clinic Laboratories, Mayo Clinic); PubMed 20598104 (cited by Mayo Clinic Laboratories, Mayo Clinic); PubMed 24533951 (cited by Mayo Clinic Laboratories, Mayo Clinic); PubMed 26763372 (cited by Mayo Clinic Laboratories, Mayo Clinic); PubMed 29636644 (cited by Mayo Clinic Laboratories, Mayo Clinic); PubMed 30019658 (cited by Mayo Clinic Laboratories, Mayo Clinic); PubMed 30349899 (cited by Mayo Clinic Laboratories, Mayo Clinic and Labcorp Genetics (formerly Invitae), Labcorp); PubMed 36950719 (cited by Mayo Clinic Laboratories, Mayo Clinic); PubMed 38286442 (cited by Mayo Clinic Laboratories, Mayo Clinic); PubMed 17576681 (cited by Labcorp Genetics (formerly Invitae), Labcorp); PubMed 9536098 (cited by Labcorp Genetics (formerly Invitae), Labcorp); PubMed 31064749 (cited by NIHR Bioresource Rare Diseases, University of Cambridge).

NM_021871.4(FGA):c.510+1G>T

Gene: FGA (fibrinogen alpha chain; minus strand). Cytogenetic location: 4q31.3.
Variant type: single nucleotide variant.
Coding change: c.510+1G>T on transcript NM_021871.4 (MANE Select); the canonical splice donor site of the intron after coding-DNA position 510, G replaced by T.
Molecular consequence: splice donor variant.
Genome position (GRCh38, 1-based): chr4:154,587,511, C>A on the plus strand (G>T on the coding strand, the complement: FGA is on the minus strand). VCF-style: chr4-154587511-C-A. GRCh37 (hg19) VCF-style: chr4-155508663-C-A.
Other names: p.?; IVS4DS, G-T, +1; c.510+1G>T (NM_000508.5).
Identifiers: ClinVar variation 16415 (VCV000016415.13), dbSNP rs146387238, ClinGen allele CA126508.